The following is an entry in ClinVar:

ClinVar aggregate classification (germline): Pathogenic (1 of 4 stars; one submission).

Conditions:
Hereditary cancer-predisposing syndrome. Also called: Hereditary Cancer Syndrome; Hereditary neoplastic syndrome; Tumor predisposition; Neoplastic Syndromes, Hereditary. Identifiers: Orphanet 140162, MedGen C0027672, MeSH D009386, MONDO:0015356.

Submission:

Ambry Genetics
Classification: Pathogenic for Hereditary cancer-predisposing syndrome. Last evaluated: 2019-05-16. Review status: criteria provided, single submitter. Criteria: Ambry Variant Classification Scheme 2023. Collection method: clinical testing. Allele origin: germline.
Comment: The c.2342dupC variant, located in coding exon 4 of the MSH6 gene, results from a duplication of C at nucleotide position 2342, causing a translational frameshift with a predicted alternate stop codon (p.L782Tfs*3). This alteration is expected to result in loss of function by premature protein truncation or nonsense-mediated mRNA decay. As such, this alteration is interpreted as a disease-causing mutation.

NM_000179.3(MSH6):c.2342dup (p.Leu782fs)

Gene: MSH6 (mutS homolog 6; plus strand). Cytogenetic location: 2p16.3.
Variant type: Duplication.
Coding change: c.2342dup on transcript NM_000179.3 (MANE Select); coding-DNA position 2342, one base duplicated (C; older notation c.2342dupC).
Protein change: p.Leu782fs; shifts the reading frame from leucine 782.
Molecular consequence: frameshift variant.
Genome position (GRCh38, 1-based): chr2:47,800,325, C duplicated; the last of 4 consecutive C bases (chr2:47,800,322-47,800,325); duplicating any one gives the same sequence. VCF-style (leftmost placement, unchanged base first): chr2-47800321-G-GC. GRCh37 (hg19) VCF-style: chr2-48027460-G-GC.
Other names: c.1952dup, p.Leu652fs (NM_001281492.2); c.1436dup, p.Leu480fs (NM_001281493.2, NM_001281494.2); c.2438dup, p.Leu814Thrfs (NM_001406795.1, NM_001406802.1); c.2342dup, p.Leu782Thrfs (NM_001406796.1, NM_001406798.1, NM_001406800.1 and 2 more transcripts); c.2045dup, p.Leu683Thrfs (NM_001406797.1, NM_001406801.1, NM_001406805.1 and 10 more transcripts); c.1817dup, p.Leu607Thrfs (NM_001406799.1, NM_001406806.1, NM_001406807.1); c.2264dup, p.Leu756Thrfs (NM_001406804.1); c.1436dup, p.Leu480Thrfs (NM_001406811.1, NM_001406812.1, NM_001406814.1 and 4 more transcripts); and 3 more; short protein forms L480fs, L652fs, L782fs.
Identifiers: ClinVar variation 1789889 (VCV001789889.2), dbSNP rs2530666018, ClinGen allele CA2580067834.